The following is an entry in ClinVar:

NM_002439.5(MSH3):c.1569G>A (p.Glu523=)

Gene: MSH3 (mutS homolog 3; plus strand). Cytogenetic location: 5q14.1.
Variant type: single nucleotide variant.
Coding change: c.1569G>A on transcript NM_002439.5 (MANE Select); coding-DNA position 1569, G replaced by A.
Protein change: p.Glu523=; no amino-acid change (glutamic acid 523 retained).
Molecular consequence: synonymous variant.
Genome position (GRCh38, 1-based): chr5:80,741,464, G>A. VCF-style: chr5-80741464-G-A. GRCh37 (hg19) VCF-style: chr5-80037283-G-A.
Identifiers: ClinVar variation 1775448 (VCV001775448.7), dbSNP rs1232782030, ClinGen allele CA445159145.

ClinVar aggregate classification (germline): Conflicting classifications of pathogenicity. Review status: criteria provided, conflicting classifications (1 of 4 stars). 2 submissions from 2 submitters: Uncertain significance (1); Likely benign (1). Last evaluated 2024-05-23.

Conditions:
Hereditary cancer-predisposing syndrome. Also called: Neoplastic Syndromes, Hereditary; Tumor predisposition; Hereditary Cancer Syndrome; Hereditary neoplastic syndrome. Identifiers: Orphanet 140162, MedGen C0027672, MeSH D009386, MONDO:0015356.

Allele frequency attached by ClinVar (database versions not stated): TOPMed below 0.00001; gnomAD 0.00001.
gnomAD v4.1: 1 of 1,553,874 alleles (0.000064%); highest among the groups gnomAD compares: African/African-American, 0.0014%; no homozygotes.

Submissions (2):

Labcorp Genetics (formerly Invitae), Labcorp
Classification: Uncertain significance. Last evaluated: 2024-05-23. Review status: criteria provided, single submitter. Criteria: Invitae Variant Classification Sherloc (09022015). Collection method: clinical testing. Allele origin: germline.
Comment: This sequence change affects codon 523 of the MSH3 mRNA. It is a 'silent' change, meaning that it does not change the encoded amino acid sequence of the MSH3 protein. It affects a nucleotide within the consensus splice site. This variant is not present in population databases (gnomAD no frequency). This variant has not been reported in the literature in individuals affected with MSH3-related conditions. ClinVar contains an entry for this variant (Variation ID: 1775448). Studies have shown that this variant is associated with inconclusive levels of altered splicing (Invitae). In summary, the available evidence is currently insufficient to determine the role of this variant in disease. Therefore, it has been classified as a Variant of Uncertain Significance.

Ambry Genetics
Classification: Likely benign for Hereditary cancer-predisposing syndrome. Last evaluated: 2022-10-29. Review status: criteria provided, single submitter. Criteria: Ambry Variant Classification Scheme 2023. Collection method: clinical testing. Allele origin: germline.